The following is an entry in ClinVar:

ClinVar aggregate classification (germline): Uncertain significance (1 of 4 stars; one submission).

Allele frequency attached by ClinVar (database versions not stated): gnomAD exomes below 0.00001; ExAC 0.00001.
gnomAD v4.1: 2 of 1,614,174 alleles (0.00012%); highest among the groups gnomAD compares: East Asian, 0.0022%; no homozygotes.

Submission:

GeneDx
Classification: Uncertain significance. Last evaluated: 2022-05-09. Review status: criteria provided, single submitter. Criteria: GeneDx Variant Classification Process June 2021. Collection method: clinical testing. Allele origin: germline. Affected: yes.
Comment: In silico analysis supports that this missense variant has a deleterious effect on protein structure/function; Has not been previously published as pathogenic or benign to our knowledge

NM_015559.3(SETBP1):c.352A>G (p.Lys118Glu)

Gene: SETBP1 (SET binding protein 1; plus strand). Cytogenetic location: 18q12.3.
Variant type: single nucleotide variant.
Coding change: c.352A>G on transcript NM_015559.3 (MANE Select); coding-DNA position 352, A replaced by G.
Protein change: p.Lys118Glu; replaces lysine 118 with glutamic acid.
Molecular consequence: missense variant.
Genome position (GRCh38, 1-based): chr18:44,701,698, A>G. VCF-style: chr18-44701698-A-G. GRCh37 (hg19) VCF-style: chr18-42281663-A-G.
Other names: c.352A>G, p.Lys118Glu (NM_001130110.2, NM_001379141.1, NM_001379142.1); short protein forms K118E.
Identifiers: ClinVar variation 1306136 (VCV001306136.3), dbSNP rs752703934, ClinGen allele CA8945362.